The following is an entry in ClinVar:

NM_006431.3(CCT2):c.257-3T>G

Gene: CCT2 (chaperonin containing TCP1 subunit 2; plus strand). Cytogenetic location: 12q15.
Variant type: single nucleotide variant.
Coding change: c.257-3T>G on transcript NM_006431.3 (MANE Select); 3 bases into the intron before coding-DNA position 257, T replaced by G.
Molecular consequence: intron variant.
Genome position (GRCh38, 1-based): chr12:69,587,927, T>G. VCF-style: chr12-69587927-T-G. GRCh37 (hg19) VCF-style: chr12-69981707-T-G.
Other names: c.116-3T>G (NM_001198842.2).
Identifiers: ClinVar variation 2124593 (VCV002124593.4), dbSNP rs1177093569, ClinGen allele CA605773318.
Genomic context (GRCh38, chr12:69,587,927, plus strand): 5'-ATTTTTGGAGAATTTAGTAAGCAAAGAAGCAATTTTGAGTTAATAACTAATTTCTTTTTC[T>G]AGATATGTCAAGGGTTCAAGATGATGAAGTTGGTGATGGCACTACCTCTGTTACCGTTTT-3'

ClinVar aggregate classification (germline): Uncertain significance (1 of 4 stars; one submission).

Submission:

Labcorp Genetics (formerly Invitae), Labcorp
Classification: Uncertain significance. Last evaluated: 2022-04-11. Review status: criteria provided, single submitter. Criteria: Invitae Variant Classification Sherloc (09022015). Collection method: clinical testing. Allele origin: germline.
Comment: This sequence change falls in intron 4 of the CCT2 gene. It does not directly change the encoded amino acid sequence of the CCT2 protein. It affects a nucleotide within the consensus splice site. This variant is present in population databases (no rsID available, gnomAD 0.003%). This variant has not been reported in the literature in individuals affected with CCT2-related conditions. Variants that disrupt the consensus splice site are a relatively common cause of aberrant splicing (PMID: 17576681, 9536098). Algorithms developed to predict the effect of sequence changes on RNA splicing suggest that this variant may create or strengthen a splice site. In summary, the available evidence is currently insufficient to determine the role of this variant in disease. Therefore, it has been classified as a Variant of Uncertain Significance.

Literature cited by the submitters: PubMed 17576681; PubMed 9536098.